The following is an entry in ClinVar:

NM_001321075.3(DLG4):c.1045C>T (p.Leu349Phe)

Genes: DLG4 (discs large MAGUK scaffold protein 4; minus strand), LOC126862479 (MED14-independent group 3 enhancer GRCh37_chr17:7099412-7100611; plus strand). Cytogenetic location: 17p13.1.
Variant type: single nucleotide variant.
Coding change: c.1045C>T on transcript NM_001321075.3 (MANE Select); coding-DNA position 1045, C replaced by T.
Protein change: p.Leu349Phe; replaces leucine 349 with phenylalanine.
Molecular consequence: missense variant. On other transcripts: non-coding transcript variant (1).
Genome position (GRCh38, 1-based): chr17:7,196,795, G>A on the plus strand (C>T on the coding strand, the complement: DLG4 is on the minus strand). VCF-style: chr17-7196795-G-A. GRCh37 (hg19) VCF-style: chr17-7100114-G-A.
Other names: c.1036C>T, p.Leu346Phe (NM_001128827.4); c.1165C>T, p.Leu389Phe (NM_001321074.1); c.865C>T, p.Leu289Phe (NM_001321076.3, NM_001321077.3); c.1174C>T, p.Leu392Phe (NM_001365.5); c.964C>T, p.Leu322Phe (NM_001369566.3); short protein forms L389F, L289F, L349F, L322F, L346F, L392F.
Identifiers: ClinVar variation 4838627 (VCV004838627.1).

ClinVar aggregate classification (germline): Uncertain significance (1 of 4 stars; one submission).

Conditions:
Inborn genetic diseases. Identifiers: MedGen C0950123, MeSH D030342.

Submission:

Ambry Genetics
Classification: Uncertain significance for Inborn genetic diseases. Last evaluated: 2025-12-30. Review status: criteria provided, single submitter. Criteria: Ambry Variant Classification Scheme 2023. Collection method: clinical testing. Allele origin: germline.
Comment: The c.1174C>T (p.L392F) alteration is located in exon 11 (coding exon 11) of the DLG4 gene. This alteration results from a C to T substitution at nucleotide position 1174, causing the leucine (L) at amino acid position 392 to be replaced by a phenylalanine (F). Based on data from gnomAD, the T allele has an overall frequency of 0.003% (1/31364) total alleles studied. The highest observed frequency was 0.007% (1/15406) of European (non-Finnish) alleles. Based on insufficient or conflicting evidence, the clinical significance of this alteration remains unclear.